The following is an entry in ClinVar:

ClinVar aggregate classification (germline): Conflicting classifications of pathogenicity. Review status: criteria provided, conflicting classifications (1 of 4 stars). 4 submissions from 4 submitters: Likely pathogenic (1); Uncertain significance (1). 2 of the submissions do not count toward it. Last evaluated 2025-10-13.

Conditions:
CFTR-related disorder (CFTR-RD). Also called: CFTR-related disorders; CFTR-related condition. Identifiers: MedGen C5924204, MONDO:7770004.
Cystic fibrosis (CF). Also called: MUCOVISCIDOSIS. Identifiers: Orphanet 586, MedGen C0010674, MONDO:0009061, OMIM 219700. Disease mechanism: loss of function.

Submissions (4):

Natera, Inc.
Classification: Likely pathogenic for CFTR-related disorders. Last evaluated: 2025-10-13. Review status: criteria provided, single submitter. Criteria: Natera Variant Classification Schema (03/2026). Collection method: clinical testing. Allele origin: germline.
Comment: The c.1094T>C variant in CFTR is a missense variant predicted to cause substitution of leucine to proline at amino acid 365. This variant is rare in the general population with a frequency below the threshold expected for the associated phenotype(s). This variant has been observed in one or more individuals affected with the associated recessive disease, as either homozygous or compound heterozygous with a second variant (PMID: 11781704, 30238759, 30996306, 38546237). Computational prediction algorithms indicate this variant is likely to affect gene or protein function. Given the available evidence, this variant is classified as Likely Pathogenic.

Ambry Genetics
Classification: Uncertain significance for Cystic fibrosis. Last evaluated: 2017-12-07. Review status: criteria provided, single submitter. Criteria: Ambry Variant Classification Scheme 2023. Collection method: clinical testing. Allele origin: germline.
Comment: The p.L365P variant (also known as c.1094T>C), located in coding exon 8 of the CFTR gene, results from a T to C substitution at nucleotide position 1094. The leucine at codon 365 is replaced by proline, an amino acid with similar properties. This variant was identified in a Spanish cystic fibrosis cohort; however, specific genotype and phenotype information were not provided (Alonso MJ et al. Ann. Hum. Genet., 2007 Mar;71:194-201). This amino acid position is not well conserved in available vertebrate species. In addition, this alteration is predicted to be deleterious by in silico analysis. Based on available evidence to date, the clinical significance of this variant remains unclear.

Counsyl
Classification: Uncertain significance for Cystic fibrosis. Last evaluated: 2018-01-26. Review status: no assertion criteria provided. Collection method: clinical testing. Allele origin: unknown. Not counted in ClinVar's aggregate classification.

ClinVar Staff, National Center for Biotechnology Information (NCBI)
No classification provided. Condition: CFTR-related disorders. Review status: no classification provided. Collection method: literature only. Allele origin: germline. Affected: yes. Not counted in ClinVar's aggregate classification.

Literature cited by the submitters: PubMed 11781704 (cited by Natera, Inc. and Counsyl); PubMed 30238759 (cited by Natera, Inc.); PubMed 30996306 (cited by Natera, Inc.); PubMed 38546237 (cited by Natera, Inc.); PubMed 17331079 (cited by Ambry Genetics and ClinVar Staff, National Center for Biotechnology Information (NCBI)).

NM_000492.4(CFTR):c.1094T>C (p.Leu365Pro)

Gene: CFTR (CF transmembrane conductance regulator; plus strand). Cytogenetic location: 7q31.2.
Variant type: single nucleotide variant.
Coding change: c.1094T>C on transcript NM_000492.4 (MANE Select); coding-DNA position 1094, T replaced by C.
Protein change: p.Leu365Pro; replaces leucine 365 with proline.
Molecular consequence: missense variant.
Genome position (GRCh38, 1-based): chr7:117,540,324, T>C. VCF-style: chr7-117540324-T-C. GRCh37 (hg19) VCF-style: chr7-117180378-T-C.
Other names: short protein forms L365P.
Identifiers: ClinVar variation 53187 (VCV000053187.5), dbSNP rs76727851, ClinGen allele CA326401.
Genomic context (GRCh38, chr7:117,540,324, plus strand): 5'-TTCTGCGCATGGCGGTCACTCGGCAATTTCCCTGGGCTGTACAAACATGGTATGACTCTC[T>C]TGGAGCAATAAACAAAATACAGGTAATGTACCATAATGCTGCATTATATACTATGATTTA-3'
Protein context (NP_000483.3, residues 355-375): PWAVQTWYDS[Leu365Pro]GAINKIQDFL